The following is an entry in ClinVar:

ClinVar aggregate classification (germline): Uncertain significance (1 of 4 stars; one submission).

Allele frequency attached by ClinVar (database versions not stated): gnomAD exomes below 0.00001; gnomAD 0.00001; TOPMed 0.00002.
gnomAD v4.1: 8 of 1,614,024 alleles (0.0005%); highest among the groups gnomAD compares: Admixed American, 0.0083%; no homozygotes.

Submission:

Labcorp Genetics (formerly Invitae), Labcorp
Classification: Uncertain significance. Last evaluated: 2022-05-03. Review status: criteria provided, single submitter. Criteria: Invitae Variant Classification Sherloc (09022015). Collection method: clinical testing. Allele origin: germline.
Comment: This sequence change replaces valine, which is neutral and non-polar, with glutamic acid, which is acidic and polar, at codon 397 of the MCPH1 protein (p.Val397Glu). In summary, the available evidence is currently insufficient to determine the role of this variant in disease. Therefore, it has been classified as a Variant of Uncertain Significance. Algorithms developed to predict the effect of missense changes on protein structure and function are either unavailable or do not agree on the potential impact of this missense change (SIFT: "Not Available"; PolyPhen-2: "Benign"; Align-GVGD: "Not Available"). This variant has not been reported in the literature in individuals affected with MCPH1-related conditions. This variant is present in population databases (no rsID available, gnomAD 0.003%).

NM_024596.5(MCPH1):c.1190T>A (p.Val397Glu)

Gene: MCPH1 (microcephalin 1; plus strand). Cytogenetic location: 8p23.1.
Variant type: single nucleotide variant.
Coding change: c.1190T>A on transcript NM_024596.5 (MANE Select); coding-DNA position 1190, T replaced by A.
Protein change: p.Val397Glu; replaces valine 397 with glutamic acid.
Molecular consequence: missense variant. On other transcripts: non-coding transcript variant (1).
Genome position (GRCh38, 1-based): chr8:6,444,912, T>A. VCF-style: chr8-6444912-T-A. GRCh37 (hg19) VCF-style: chr8-6302433-T-A.
Other names: c.1190T>A, p.Val397Glu (NM_001172574.2, NM_001322042.2, NM_001363979.1 and 3 more transcripts); c.1046T>A, p.Val349Glu (NM_001172575.2); c.1184T>A, p.Val395Glu (NM_001322043.2); c.1088T>A, p.Val363Glu (NM_001322045.2); short protein forms V349E, V363E, V395E, V397E.
Identifiers: ClinVar variation 2196652 (VCV002196652.4), dbSNP rs1227689972, ClinGen allele CA370221127.